The following is an entry in ClinVar:

NM_153460.4(IL17RC):c.2008C>G (p.Arg670Gly)

Gene: IL17RC (interleukin 17 receptor C; plus strand). Cytogenetic location: 3p25.3.
Variant type: single nucleotide variant.
Coding change: c.2008C>G on transcript NM_153460.4 (MANE Select); coding-DNA position 2008, C replaced by G.
Protein change: p.Arg670Gly; replaces arginine 670 with glycine.
Molecular consequence: missense variant. On other transcripts: non-coding transcript variant (1).
Genome position (GRCh38, 1-based): chr3:9,933,438, C>G. VCF-style: chr3-9933438-C-G. GRCh37 (hg19) VCF-style: chr3-9975122-C-G.
Other names: c.1969C>G, p.Arg657Gly (NM_001203263.2); c.1918C>G, p.Arg640Gly (NM_001203264.2); c.1912C>G, p.Arg638Gly (NM_001203265.2); c.1930C>G, p.Arg644Gly (NM_001367278.1); c.1849C>G, p.Arg617Gly (NM_001367279.1); c.1924C>G, p.Arg642Gly (NM_001367280.1); c.1963C>G, p.Arg655Gly (NM_032732.6); c.2221C>G, p.Arg741Gly (NM_153461.4); short protein forms R617G, R640G, R741G, R638G, R642G, R655G, R644G, R657G.
Identifiers: ClinVar variation 946209 (VCV000946209.6), dbSNP rs1477967348, ClinGen allele CA351709204.

ClinVar aggregate classification (germline): Uncertain significance (1 of 4 stars; one submission).

Conditions:
Candidiasis, familial, 9 (CANDF9). Identifiers: Orphanet 1334, MedGen C4225324, MONDO:0014642, OMIM 616445.

Allele frequency attached by ClinVar (database versions not stated): gnomAD exomes below 0.00001; TOPMed below 0.00001.

Submission:

Labcorp Genetics (formerly Invitae), Labcorp
Classification: Uncertain significance for Candidiasis, familial, 9. Last evaluated: 2019-05-04. Review status: criteria provided, single submitter. Criteria: Invitae Variant Classification Sherloc (09022015). Collection method: clinical testing. Allele origin: germline.
Comment: In summary, the available evidence is currently insufficient to determine the role of this variant in disease. Therefore, it has been classified as a Variant of Uncertain Significance. Algorithms developed to predict the effect of missense changes on protein structure and function output the following: SIFT: "Tolerated"; PolyPhen-2: "Benign"; Align-GVGD: "Class C0". The glycine amino acid residue is found in multiple mammalian species, suggesting that this missense change does not adversely affect protein function. These predictions have not been confirmed by published functional studies and their clinical significance is uncertain. This variant has not been reported in the literature in individuals with IL17RC-related conditions. This variant is not present in population databases (ExAC no frequency). This sequence change replaces arginine with glycine at codon 741 of the IL17RC protein (p.Arg741Gly). The arginine residue is weakly conserved and there is a moderate physicochemical difference between arginine and glycine.